The following is an entry in ClinVar:

NM_152383.5(DIS3L2):c.2573A>C (p.Lys858Thr)

Gene: DIS3L2 (DIS3 like 3'-5' exoribonuclease 2; plus strand). Cytogenetic location: 2q37.1.
Variant type: single nucleotide variant.
Coding change: c.2573A>C on transcript NM_152383.5 (MANE Select); coding-DNA position 2573, A replaced by C.
Protein change: p.Lys858Thr; replaces lysine 858 with threonine.
Molecular consequence: missense variant. On other transcripts: non-coding transcript variant (2), intron variant (1).
Genome position (GRCh38, 1-based): chr2:232,336,545, A>C. VCF-style: chr2-232336545-A-C. GRCh37 (hg19) VCF-style: chr2-233201255-A-C.
Other names: c.1582-6800A>C (NM_001257281.2); short protein forms K858T.
Identifiers: ClinVar variation 1008165 (VCV001008165.8), dbSNP rs1695955603, ClinGen allele CA350978992.

ClinVar aggregate classification (germline): Uncertain significance (1 of 4 stars; one submission).

Conditions:
Perlman syndrome (PRLMNS). Identifiers: Orphanet 2849, MedGen C0796113, MONDO:0009965, OMIM 267000.

Submission:

Labcorp Genetics (formerly Invitae), Labcorp
Classification: Uncertain significance for Perlman syndrome. Last evaluated: 2020-07-21. Review status: criteria provided, single submitter. Criteria: Invitae Variant Classification Sherloc (09022015). Collection method: clinical testing. Allele origin: germline.
Comment: This variant is not present in population databases (ExAC no frequency). Algorithms developed to predict the effect of missense changes on protein structure and function are either unavailable or do not agree on the potential impact of this missense change (SIFT: "Tolerated"; PolyPhen-2: "Possibly Damaging"; Align-GVGD: "Class C0"). This variant has not been reported in the literature in individuals with DIS3L2-related conditions. This sequence change replaces lysine with threonine at codon 858 of the DIS3L2 protein (p.Lys858Thr). The lysine residue is moderately conserved and there is a moderate physicochemical difference between lysine and threonine. In summary, the available evidence is currently insufficient to determine the role of this variant in disease. Therefore, it has been classified as a Variant of Uncertain Significance.